The following is an entry in ClinVar:

ClinVar aggregate classification (germline): Conflicting classifications of pathogenicity. Review status: criteria provided, conflicting classifications (1 of 4 stars). 2 submissions from 2 submitters: Uncertain significance (1); Likely benign (1). Last evaluated 2025-10-13.

Conditions:
Developmental and epileptic encephalopathy, 42 (DEE42A). Also called: DEVELOPMENTAL AND EPILEPTIC ENCEPHALOPATHY 42A; EPILEPTIC ENCEPHALOPATHY, EARLY INFANTILE, 42A; Epileptic encephalopathy, early infantile, 42. Identifiers: MedGen C4310716, MONDO:0014917, OMIM 617106.
Episodic ataxia type 2 (EA2). Also called: ATAXIA, EPISODIC, WITH NYSTAGMUS; ATAXIA, FAMILIAL PAROXYSMAL; CEREBELLAR ATAXIA, PAROXYSMAL, ACETAZOLAMIDE-RESPONSIVE; CEREBELLOPATHY, HEREDITARY PAROXYSMAL; EPISODIC ATAXIA, NYSTAGMUS-ASSOCIATED; ACETAZOLAMIDE-RESPONSIVE HEREDITARY PAROXYSMAL CEREBELLAR ATAXIA. Identifiers: Orphanet 97, MedGen C1720416, MONDO:0007163, OMIM 108500.

gnomAD v4.1: 17 of 1,609,850 alleles (0.0011%); highest among the groups gnomAD compares: Non-Finnish European, 0.0012%; no homozygotes.

Submissions (2):

Labcorp Genetics (formerly Invitae), Labcorp
Classification: Likely benign for Developmental and epileptic encephalopathy, 42; Episodic ataxia type 2. Last evaluated: 2025-10-13. Review status: criteria provided, single submitter. Criteria: Invitae Variant Classification Sherloc (09022015). Collection method: clinical testing. Allele origin: germline.

GeneDx
Classification: Uncertain significance. Last evaluated: 2024-03-19. Review status: criteria provided, single submitter. Criteria: GeneDx Variant Classification Process June 2021. Collection method: clinical testing. Allele origin: germline. Affected: yes.
Comment: Not observed at significant frequency in large population cohorts (gnomAD); In silico analysis is inconclusive as to whether the variant alters gene splicing. In the absence of RNA/functional studies, the actual effect of this sequence change is unknown.; Has not been previously published as pathogenic or benign to our knowledge

NM_001127222.2(CACNA1A):c.2154C>T (p.Asn718=)

Gene: CACNA1A (calcium voltage-gated channel subunit alpha1 A; minus strand). Cytogenetic location: 19p13.13.
Variant type: single nucleotide variant.
Coding change: c.2154C>T on transcript NM_001127222.2 (MANE Select); coding-DNA position 2154, C replaced by T.
Protein change: p.Asn718=; no amino-acid change (asparagine 718 retained).
Molecular consequence: synonymous variant.
Genome position (GRCh38, 1-based): chr19:13,303,564, G>A on the plus strand (C>T on the coding strand, the complement: CACNA1A is on the minus strand). VCF-style: chr19-13303564-G-A. GRCh37 (hg19) VCF-style: chr19-13414378-G-A.
Other names: c.2157C>T, p.Asn719= (NM_000068.4, NM_001127221.2, NM_001174080.2 and 1 more transcripts).
Identifiers: ClinVar variation 3371077 (VCV003371077.2).